The following is an entry in ClinVar:

NM_001378157.1(XRRA1):c.2118G>T (p.Arg706=)

Genes: XRRA1 (X-ray radiation resistance associated 1; minus strand), LOC126861265 (BRD4-independent group 4 enhancer GRCh37_chr11:74554898-74556097; plus strand). Cytogenetic location: 11q13.4.
Variant type: single nucleotide variant.
Coding change: c.2118G>T on transcript NM_001378157.1 (MANE Select); coding-DNA position 2118, G replaced by T.
Protein change: p.Arg706=; no amino-acid change (arginine 706 retained).
Molecular consequence: synonymous variant. On other transcripts: non-coding transcript variant (3), intron variant (10).
Genome position (GRCh38, 1-based): chr11:74,843,885, C>A on the plus strand (G>T on the coding strand, the complement: XRRA1 is on the minus strand). VCF-style: chr11-74843885-C-A. GRCh37 (hg19) VCF-style: chr11-74554930-C-A.
Other names: c.1269G>T, p.Arg423= (NM_001270381.3); c.2073G>T, p.Arg691= (NM_001378158.1); c.1782G>T, p.Arg594= (NM_001378159.1); c.1224G>T, p.Arg408= (NM_001378161.1); c.1134G>T, p.Arg378= (NM_001378162.1); c.1059G>T, p.Arg353= (NM_001378163.1, NM_001378164.1); c.963G>T, p.Arg321= (NM_001378165.1, NM_001378166.1, NM_001378167.1); c.918G>T, p.Arg306= (NM_001378169.1); and 7 more.
Identifiers: ClinVar variation 2642153 (VCV002642153.24), dbSNP rs2547415552, ClinGen allele CA475692867.

ClinVar aggregate classification (germline): Likely benign (1 of 4 stars; one submission).

Submission:

CeGaT Center for Human Genetics Tuebingen
Classification: Likely benign. Last evaluated: 2022-12-01. Review status: criteria provided, single submitter. Criteria: CeGaT Center For Human Genetics Tuebingen Variant Classification Criteria Version 2. Collection method: clinical testing. Allele origin: germline. Affected: yes. Observed: 1 variant allele.
Comment: XRRA1: PM2:Supporting, BP4, BP7